The following is an entry in ClinVar:

ClinVar aggregate classification (germline): Pathogenic (1 of 4 stars; one submission).

Submission:

Labcorp Genetics (formerly Invitae), Labcorp
Classification: Pathogenic. Last evaluated: 2021-09-25. Review status: criteria provided, single submitter. Criteria: Invitae Variant Classification Sherloc (09022015). Collection method: clinical testing. Allele origin: germline.
Comment: For these reasons, this variant has been classified as Pathogenic. This variant has not been reported in the literature in individuals affected with LAMA3-related conditions. This variant is a gross deletion of the genomic region encompassing exon(s) 16-18 of the LAMA3 gene. This deletion is out-of-frame, and is expected to create a premature termination codon and result in an absent or disrupted protein product. Loss-of-function variants in LAMA3 are known to be pathogenic (PMID: 10366601, 11810295, 12915477, 16473856, 17362460, 22434185, 23869449, 27827380, 28087116).

Literature cited by the submitters: PubMed 10366601; PubMed 11810295; PubMed 12915477; PubMed 16473856; PubMed 17362460; PubMed 22434185; PubMed 23869449; PubMed 27827380; PubMed 28087116.

NC_000018.9:g.(?_21487504)_(21489269_?)del

Gene: LAMA3 (laminin subunit alpha 3; plus strand). Cytogenetic location: 18q11.2.
Variant type: Deletion.
Identifiers: ClinVar variation 1457227 (VCV001457227.4).